The following is an entry in ClinVar:

ClinVar aggregate classification (germline): Uncertain significance (1 of 4 stars; one submission).

gnomAD v4.1: 1 of 1,614,166 alleles (0.000062%); highest among the groups gnomAD compares: Non-Finnish European, 0.000085%; no homozygotes.

Submission:

GeneDx
Classification: Uncertain significance. Last evaluated: 2024-11-22. Review status: criteria provided, single submitter. Criteria: GeneDx Variant Classification Process June 2021. Collection method: clinical testing. Allele origin: germline. Affected: yes.
Comment: Not observed at significant frequency in large population cohorts (gnomAD); In silico analysis indicates that this missense variant does not alter protein structure/function; Has not been previously published as pathogenic or benign to our knowledge

NM_001378418.1(TCF20):c.953C>A (p.Pro318Gln)

Gene: TCF20 (transcription factor 20; minus strand). Cytogenetic location: 22q13.2.
Variant type: single nucleotide variant.
Coding change: c.953C>A on transcript NM_001378418.1 (MANE Select); coding-DNA position 953, C replaced by A.
Protein change: p.Pro318Gln; replaces proline 318 with glutamine.
Molecular consequence: missense variant.
Genome position (GRCh38, 1-based): chr22:42,214,353, G>T on the plus strand (C>A on the coding strand, the complement: TCF20 is on the minus strand). VCF-style: chr22-42214353-G-T. GRCh37 (hg19) VCF-style: chr22-42610359-G-T.
Other names: c.953C>A, p.Pro318Gln (NM_005650.4, NM_181492.3); short protein forms P318Q.
Identifiers: ClinVar variation 3900280 (VCV003900280.1).
Genomic context (GRCh38, chr22:42,214,353, plus strand): 5'-AGCTTGGTGGCAGCGTTAGTATACTGCATCACATGCTGAGAAGGGTGTTGTTGTTGCTGC[G>T]GTTGCTGCTGCTGCTGCCCCTGTTGGGTCCCTTGTGGAATCTTTGCCTGTTCAAAATTCT-3'
Protein context (NP_001365347.1, residues 308-328): GTQQGQQQQQ[Pro318Gln]QQQQHPSQHV